The following is an entry in ClinVar:

ClinVar aggregate classification (germline): Pathogenic (1 of 4 stars; one submission).

Conditions:
Hereditary nonpolyposis colorectal neoplasms. Identifiers: MedGen C0009405, MeSH D003123.

Submission:

Labcorp Genetics (formerly Invitae), Labcorp
Classification: Pathogenic for Hereditary nonpolyposis colorectal neoplasms. Last evaluated: 2021-07-29. Review status: criteria provided, single submitter. Criteria: Invitae Variant Classification Sherloc (09022015). Collection method: clinical testing. Allele origin: germline.
Comment: This variant is a gross deletion of the genomic region encompassing exons 9-13 of the PMS2 gene. This deletion is out-of-frame, and is expected to create a premature termination codon and result in an absent or disrupted protein product. Loss-of-function variants in PMS2 are known to be pathogenic (PMID: 21376568, 24362816). This variant has not been reported in the literature in individuals affected with PMS2-related conditions. For these reasons, this variant has been classified as Pathogenic.

Literature cited by the submitters: PubMed 21376568; PubMed 24362816.

NC_000007.13:g.(?_6018217)_(6022632_?)del

Gene: PMS2 (PMS1 homolog 2, mismatch repair system component; minus strand). Cytogenetic location: 7p22.1.
Variant type: Deletion.
Identifiers: ClinVar variation 2423258 (VCV002423258.3).